The following is an entry in ClinVar:

ClinVar aggregate classification (germline): Uncertain significance (1 of 4 stars; one submission).

Allele frequency attached by ClinVar (database versions not stated): gnomAD exomes 0.00001; TOPMed 0.00002; gnomAD 0.00004; ESP Exome Variant Server 0.00008.
gnomAD v4.1: 20 of 1,613,960 alleles (0.0012%); highest among the groups gnomAD compares: African/African-American, 0.004%; no homozygotes.

Submission:

Ambry Genetics
Classification: Uncertain significance. Last evaluated: 2022-11-03. Review status: criteria provided, single submitter. Criteria: Ambry Variant Classification Scheme 2023. Collection method: clinical testing. Allele origin: germline.
Comment: The p.R158T variant (also known as c.473G>C), located in coding exon 6 of the RAD54L gene, results from a G to C substitution at nucleotide position 473. The arginine at codon 158 is replaced by threonine, an amino acid with similar properties. This amino acid position is conserved. In addition, this alteration is predicted to be deleterious by in silico analysis. Since supporting evidence is limited at this time, the clinical significance of this alteration remains unclear.

NM_003579.4(RAD54L):c.473G>C (p.Arg158Thr)

Gene: RAD54L (RAD54 like; plus strand). Cytogenetic location: 1p34.1.
Variant type: single nucleotide variant.
Coding change: c.473G>C on transcript NM_003579.4 (MANE Select); coding-DNA position 473, G replaced by C.
Protein change: p.Arg158Thr; replaces arginine 158 with threonine.
Molecular consequence: missense variant. On other transcripts: 5 prime UTR variant (1).
Genome position (GRCh38, 1-based): chr1:46,260,607, G>C. VCF-style: chr1-46260607-G-C. GRCh37 (hg19) VCF-style: chr1-46726279-G-C.
Other names: c.473G>C, p.Arg158Thr (NM_001142548.2); c.-68G>C (NM_001370766.1); short protein forms R158T.
Identifiers: ClinVar variation 2465586 (VCV002465586.2), dbSNP rs148273228, ClinGen allele CA21905962.